The following is an entry in ClinVar:

NM_001145809.2(MYH14):c.5446C>T (p.Arg1816Cys)

Gene: MYH14 (myosin heavy chain 14; plus strand). Cytogenetic location: 19q13.33.
Variant type: single nucleotide variant.
Coding change: c.5446C>T on transcript NM_001145809.2 (MANE Select); coding-DNA position 5446, C replaced by T.
Protein change: p.Arg1816Cys; replaces arginine 1816 with cysteine.
Molecular consequence: missense variant.
Genome position (GRCh38, 1-based): chr19:50,293,664, C>T. VCF-style: chr19-50293664-C-T. GRCh37 (hg19) VCF-style: chr19-50796921-C-T.
Other names: c.5323C>T (NM_024729.3); c.5347C>T, p.Arg1783Cys (NM_001077186.2); c.5323C>T, p.Arg1775Cys (NM_024729.4); short protein forms R1816C, R1775C, R1783C.
Identifiers: ClinVar variation 178423 (VCV000178423.7), dbSNP rs376798395, ClinGen allele CA182297.

ClinVar aggregate classification (germline): Uncertain significance. Review status: criteria provided, multiple submitters, no conflicts (2 of 4 stars). 4 submissions from 4 submitters: Uncertain significance (4). Last evaluated 2025-08-05.

Conditions:
Inborn genetic diseases. Identifiers: MedGen C0950123, MeSH D030342.

Allele frequency attached by ClinVar (database versions not stated): gnomAD 0.00003; TOPMed 0.00003; ESP Exome Variant Server 0.00008; 1000 Genomes Project 30x 0.00016; 1000 Genomes Project 0.00020.
gnomAD v4.1: 100 of 1,594,100 alleles (0.0063%); highest among the groups gnomAD compares: East Asian, 0.009%; no homozygotes.

Submissions (4):

Labcorp Genetics (formerly Invitae), Labcorp
Classification: Uncertain significance. Last evaluated: 2025-08-05. Review status: criteria provided, single submitter. Criteria: Invitae Variant Classification Sherloc (09022015). Collection method: clinical testing. Allele origin: germline.
Comment: This sequence change replaces arginine, which is basic and polar, with cysteine, which is neutral and slightly polar, at codon 1775 of the MYH14 protein (p.Arg1775Cys). This variant is present in population databases (rs376798395, gnomAD 0.003%). This variant has not been reported in the literature in individuals affected with MYH14-related conditions. ClinVar contains an entry for this variant (Variation ID: 178423). Invitae Evidence Modeling of protein sequence and biophysical properties (such as structural, functional, and spatial information, amino acid conservation, physicochemical variation, residue mobility, and thermodynamic stability) indicates that this missense variant is expected to disrupt MYH14 protein function with a positive predictive value of 80%. In summary, the available evidence is currently insufficient to determine the role of this variant in disease. Therefore, it has been classified as a Variant of Uncertain Significance.

Ambry Genetics
Classification: Uncertain significance for Inborn genetic diseases. Last evaluated: 2025-07-12. Review status: criteria provided, single submitter. Criteria: Ambry Variant Classification Scheme 2023. Collection method: clinical testing. Allele origin: germline.

Blueprint Genetics
Classification: Uncertain significance. Last evaluated: 2024-03-16. Review status: criteria provided, single submitter. Criteria: ACMG Guidelines, 2015. Collection method: clinical testing. Allele origin: germline.

Laboratory for Molecular Medicine, Mass General Brigham Personalized Medicine
Classification: Uncertain significance. Last evaluated: 2013-09-04. Review status: criteria provided, single submitter. Criteria: LMM Criteria. Collection method: clinical testing. Allele origin: germline. Inheritance: Autosomal recessive inheritance. Observed: 1 variant allele.
Comment: The Arg1816Cys variant in MYH14 has not been previously reported in individuals with hearing loss, but has been identified in 1/8586 European American chromosom es by the NHLBI Exome Sequencing Project. Com putational analyses (biochemical amino acid properties, conservation, AlignGVGD, PolyPhen2, and SIFT) do not provide strong support for or against an impact to the protein. In summary, additional information is needed to fully assess the cl inical significance of the Arg1816Cys variant.